The following is an entry in ClinVar:

NM_000523.4(HOXD13):c.206_207insAGCGGCGGCTGCGGCGGCGGCAGC (p.Ala71_Ser72insAlaAlaAlaAlaAlaAlaAlaAla)

Gene: HOXD13 (homeobox D13; plus strand). Cytogenetic location: 2q31.1.
Variant type: Insertion.
Coding change: c.206_207insAGCGGCGGCTGCGGCGGCGGCAGC on transcript NM_000523.4 (MANE Select); coding-DNA positions 206 to 207, AGCGGCGGCTGCGGCGGCGGCAGC inserted.
Protein change: p.Ala71_Ser72insAlaAlaAlaAlaAlaAlaAlaAla.
Molecular consequence: inframe insertion.
Genome position: GRCh38 VCF-style: chr2-176093094-G-GGCAGCGGCGGCTGCGGCGGCGGCA. GRCh37 (hg19) VCF-style: chr2-176957822-G-GGCAGCGGCGGCTGCGGCGGCGGCA.
Identifiers: ClinVar variation 3252671 (VCV003252671.2), dbSNP rs1553517123.

ClinVar aggregate classification (germline): Pathogenic. Review status: criteria provided, multiple submitters, no conflicts (2 of 4 stars). 2 submissions from 2 submitters: Pathogenic (2). Last evaluated 2024-01-03.

Conditions:
Brachydactyly type E1 (BDE1). Identifiers: Orphanet 93387, MedGen C1862102, MONDO:0007223, OMIM 113300.
Synpolydactyly type 1. Identifiers: Orphanet 295195, MedGen C5574994, MONDO:0008513, OMIM 186000.
Syndactyly type 5. Also called: SYNDACTYLY WITH METACARPAL AND METATARSAL FUSION; Syndactyly with associated metacarpal and metatarsal fusion; Syndactyly, type V. Identifiers: Orphanet 93406, MedGen C1861348, MONDO:0008516, OMIM 186300.
Brachydactyly-syndactyly syndrome (BDSD). Identifiers: Orphanet 93409, MedGen C1853137, MONDO:0012544, OMIM 610713.
Brachydactyly type D. Also called: STUB THUMB. Identifiers: MedGen C0220664, MONDO:0007222, OMIM 113200, HP:0005627.

Submissions (2):

GeneDx
Classification: Pathogenic. Last evaluated: 2024-01-03. Review status: criteria provided, single submitter. Criteria: GeneDx Variant Classification Process June 2021. Collection method: clinical testing. Allele origin: germline. Affected: yes.
Comment: Segregates with disease in affected individuals from a single family with synpolydactyly in published literature (PMID: 22406499); Published functional studies demonstrate that expansions of 7-Ala and above lead to an aberrant localization of the protein that leads to aggregation and degradation, preventing the normal function of this transcription factor in the nucleus (PMID: 15333588); In-frame insertion of 8 amino acids in Poly-Ala tract (PMID: 24038517); Not observed in large population cohorts (gnomAD); This variant is associated with the following publications: (PMID: 9207113, 24038517, 22406499, 15333588)

Juno Genomics, Hangzhou Juno Genomics, Inc
Classification: Pathogenic for Syndactyly type 5; Synpolydactyly type 1; Brachydactyly-syndactyly syndrome; Brachydactyly type D; Brachydactyly type E1. Review status: criteria provided, single submitter. Criteria: ACMG Guidelines, 2015. Collection method: clinical testing. Allele origin: germline. Affected: yes.
Comment: Absent from controls (or at extremely low frequency if recessive) in Genome Aggregation Database.;Protein length changes due to in-frame deletions/insertions in a non-repeat region or stop-loss variants.;Co-segregation with disease in multiple affected family members.;Patient's phenotype or family history is highly specific for a disease with a single genetic etiology.;Well-established in vitro or in vivo functional studies supportive of a damaging effect on the gene or gene product.